The following is an entry in ClinVar:

NM_000059.4(BRCA2):c.316+2212C>T

Gene: BRCA2 (BRCA2 DNA repair associated; plus strand). Cytogenetic location: 13q13.1.
Variant type: single nucleotide variant.
Coding change: c.316+2212C>T on transcript NM_000059.4 (MANE Select); 2212 bases into the intron after coding-DNA position 316, C replaced by T.
Molecular consequence: intron variant.
Genome position (GRCh38, 1-based): chr13:32,321,537, C>T. VCF-style: chr13-32321537-C-T. GRCh37 (hg19) VCF-style: chr13-32895674-C-T.
Other names: IVS 3+2212C>T.
Identifiers: ClinVar variation 209630 (VCV000209630.2), dbSNP rs11571594, ClinGen allele CA276599.

ClinVar aggregate classification (germline): Benign. Review status: reviewed by expert panel (3 of 4 stars). 2 submissions from 2 submitters: Benign (1). 1 of the submissions does not count toward it. Last evaluated 2015-01-12.

Conditions:
Breast-ovarian cancer, familial, susceptibility to, 2 (BROVCA2). Also called: BRCA2 Hereditary Breast and Ovarian Cancer. Identifiers: Orphanet 145, MedGen C2675520, MONDO:0012933, OMIM 612555. Disease mechanism: loss of function.

Allele frequency attached by ClinVar (database versions not stated): gnomAD 0.04105 and 0.04422; TOPMed 0.04572; 1000 Genomes Project 30x 0.07277; 1000 Genomes Project 0.07328.
gnomAD v4.1: 6,765 of 152,198 alleles (4.4%); highest among the groups gnomAD compares: Admixed American, 10%; 238 homozygotes.

Submissions (2):

Evidence-based Network for the Interpretation of Germline Mutant Alleles (ENIGMA)
Classification: Benign for Breast-ovarian cancer, familial 2. Last evaluated: 2015-01-12. Review status: reviewed by expert panel. Criteria: ENIGMA BRCA1/2 Classification Criteria (2015). Collection method: curation. Allele origin: germline.
Comment: Class 1 not pathogenic based on frequency >1% in an outbred sampleset. Frequency 0.09615 (Asian), 0.01626 (African), 0.04617 (European), derived from 1000 genomes (2012-04-30).

Breakthrough Genomics
Classification: Benign. Review status: criteria provided, single submitter. Criteria: ACMG Guidelines, 2015. Collection method: not provided. Allele origin: germline. Inheritance: Autosomal recessive inheritance. Affected: yes. Not counted in ClinVar's aggregate classification.